The following is an entry in ClinVar:

ClinVar aggregate classification (germline): Uncertain significance (1 of 4 stars; one submission).

Submission:

Labcorp Genetics (formerly Invitae), Labcorp
Classification: Uncertain significance. Last evaluated: 2024-12-16. Review status: criteria provided, single submitter. Criteria: Invitae Variant Classification Sherloc (09022015). Collection method: clinical testing. Allele origin: germline.
Comment: This sequence change replaces asparagine, which is neutral and polar, with tyrosine, which is neutral and polar, at codon 84 of the C10orf11 protein (p.Asn84Tyr). This variant is not present in population databases (gnomAD no frequency). This variant has not been reported in the literature in individuals affected with C10orf11-related conditions. ClinVar contains an entry for this variant (Variation ID: 2007055). An algorithm developed to predict the effect of missense changes on protein structure and function (PolyPhen-2) suggests that this variant is likely to be disruptive. In summary, the available evidence is currently insufficient to determine the role of this variant in disease. Therefore, it has been classified as a Variant of Uncertain Significance.

NM_001305581.2(LRMDA):c.334A>T (p.Asn112Tyr)

Gene: LRMDA (leucine rich melanocyte differentiation associated; plus strand). Cytogenetic location: 10q22.3.
Variant type: single nucleotide variant.
Coding change: c.334A>T on transcript NM_001305581.2 (MANE Select); coding-DNA position 334, A replaced by T.
Protein change: p.Asn112Tyr; replaces asparagine 112 with tyrosine.
Molecular consequence: missense variant. On other transcripts: non-coding transcript variant (1).
Genome position (GRCh38, 1-based): chr10:76,047,239, A>T. VCF-style: chr10-76047239-A-T. GRCh37 (hg19) VCF-style: chr10-77806997-A-T.
Other names: c.250A>T, p.Asn84Tyr (NM_032024.5); short protein forms N112Y, N84Y.
Identifiers: ClinVar variation 2007055 (VCV002007055.4), dbSNP rs2492796293, ClinGen allele CA377401025.